The following is an entry in ClinVar:

NM_001376.5(DYNC1H1):c.3429T>C (p.His1143=)

Gene: DYNC1H1 (dynein cytoplasmic 1 heavy chain 1; plus strand). Cytogenetic location: 14q32.31.
Variant type: single nucleotide variant.
Coding change: c.3429T>C on transcript NM_001376.5 (MANE Select); coding-DNA position 3429, T replaced by C.
Protein change: p.His1143=; no amino-acid change (histidine 1143 retained).
Molecular consequence: synonymous variant.
Genome position (GRCh38, 1-based): chr14:101,995,081, T>C. VCF-style: chr14-101995081-T-C. GRCh37 (hg19) VCF-style: chr14-102461418-T-C.
Other names: p.His1143=.
Identifiers: ClinVar variation 2919289 (VCV002919289.4), dbSNP rs776128986, ClinGen allele CA7352013.

ClinVar aggregate classification (germline): Likely benign. Review status: criteria provided, multiple submitters, no conflicts (2 of 4 stars). 2 submissions from 2 submitters: Likely benign (2). Last evaluated 2024-10-22.

Conditions:
Charcot-Marie-Tooth disease axonal type 2O. Also called: CHARCOT-MARIE-TOOTH NEUROPATHY, AXONAL, TYPE 2O; CHARCOT-MARIE-TOOTH DISEASE, AXONAL, AUTOSOMAL DOMINANT, TYPE 2O; Charcot-Marie-Tooth Neuropathy Type 2O; Charcot-Marie-Tooth disease, axonal, type 20. Identifiers: Orphanet 284232, MedGen C3280220, MONDO:0013644, OMIM 614228.

Allele frequency attached by ClinVar (database versions not stated): gnomAD 0.00001; TOPMed 0.00001.
gnomAD v4.1: 12 of 1,613,972 alleles (0.00074%); highest among the groups gnomAD compares: Non-Finnish European, 0.00093%; no homozygotes.

Submissions (2):

Mayo Clinic Laboratories, Mayo Clinic
Classification: Likely benign. Last evaluated: 2024-10-22. Review status: criteria provided, single submitter. Criteria: ACMG Guidelines, 2015. Collection method: clinical testing. Allele origin: germline. Observed: 1 variant allele.
Comment: BP4, BP7

Labcorp Genetics (formerly Invitae), Labcorp
Classification: Likely benign for Charcot-Marie-Tooth disease axonal type 2O. Last evaluated: 2023-11-24. Review status: criteria provided, single submitter. Criteria: Invitae Variant Classification Sherloc (09022015). Collection method: clinical testing. Allele origin: germline.